The following is an entry in ClinVar:

NM_005529.7(HSPG2):c.2109C>T (p.Ala703=)

Gene: HSPG2 (heparan sulfate proteoglycan 2; minus strand). Cytogenetic location: 1p36.12.
Variant type: single nucleotide variant.
Coding change: c.2109C>T on transcript NM_005529.7 (MANE Select); coding-DNA position 2109, C replaced by T.
Protein change: p.Ala703=; no amino-acid change (alanine 703 retained).
Molecular consequence: synonymous variant.
Genome position (GRCh38, 1-based): chr1:21,880,449, G>A on the plus strand (C>T on the coding strand, the complement: HSPG2 is on the minus strand). VCF-style: chr1-21880449-G-A. GRCh37 (hg19) VCF-style: chr1-22206942-G-A.
Other names: c.2112C>T, p.Ala704= (NM_001291860.2).
Identifiers: ClinVar variation 295882 (VCV000295882.19), dbSNP rs1874793, ClinGen allele CA673186.
Genomic context (GRCh38, chr1:21,880,449, plus strand): 5'-GCCATGGCTGGTGGCATGGGTGACGGTGGTATCCATGGCGATGTCGCTAAGTCCCACGCT[G>A]GCCATCTTGGTGTTGTACACGGTCTGGATGAGCACGGCCTCCAGGCTCTGCAGCACCTGC-3'
Protein context (NP_005520.4, residues 693-713): LIQTVYNTKM[Ala703=]SVGLSDIAMD

ClinVar aggregate classification (germline): Benign. Review status: criteria provided, multiple submitters, no conflicts (2 of 4 stars). 9 submissions from 7 submitters: Benign (9). Last evaluated 2026-02-04.

Conditions:
Schwartz-Jampel syndrome. Also called: Myotonic myopathy dwarfism chondrodystrophy and ocular and facial abnormalities. Identifiers: Orphanet 800, MedGen C0036391, MONDO:0009717.
Lethal Kniest-like syndrome (DDSH). Also called: Dyssegmental Dysplasia. Identifiers: Orphanet 1865, MedGen C1857100, MONDO:0009140, OMIM 224410.

Allele frequency attached by ClinVar (database versions not stated): 1000 Genomes Project 30x 0.92661; 1000 Genomes Project 0.92991; TOPMed 0.93249; ESP Exome Variant Server 0.93518; gnomAD 0.93527 and 0.93959; ExAC 0.98118; gnomAD exomes 0.98452 and 0.99430.

Submissions (9):

Labcorp Genetics (formerly Invitae), Labcorp
Classification: Benign. Last evaluated: 2026-02-04. Review status: criteria provided, single submitter. Criteria: Invitae Variant Classification Sherloc (09022015). Collection method: clinical testing. Allele origin: germline.

Blueprint Genetics
Classification: Benign. Last evaluated: 2024-11-26. Review status: criteria provided, single submitter. Criteria: ACMG Guidelines, 2015. Collection method: clinical testing. Allele origin: germline.

Genome-Nilou Lab
Classification: Benign for Lethal Kniest-like syndrome. Last evaluated: 2021-08-10. Review status: criteria provided, single submitter. Criteria: ACMG Guidelines, 2015. Collection method: clinical testing. Allele origin: germline. Affected: no.

Genome-Nilou Lab
Classification: Benign for Schwartz-Jampel syndrome type 1. Last evaluated: 2021-08-10. Review status: criteria provided, single submitter. Criteria: ACMG Guidelines, 2015. Collection method: clinical testing. Allele origin: germline. Affected: no.

Athena Diagnostics
Classification: Benign. Last evaluated: 2019-01-28. Review status: criteria provided, single submitter. Criteria: Athena Diagnostics Criteria. Collection method: clinical testing. Allele origin: germline.

GeneDx
Classification: Benign. Last evaluated: 2018-06-22. Review status: criteria provided, single submitter. Criteria: GeneDx Variant Classification Process June 2021. Collection method: clinical testing. Allele origin: germline. Affected: yes.

Illumina Laboratory Services, Illumina
Classification: Benign for Lethal Kniest-like syndrome. Last evaluated: 2018-01-13. Review status: criteria provided, single submitter. Criteria: ICSL Variant Classification Criteria 13 December 2019. Collection method: clinical testing. Allele origin: germline.
Comment: This variant was observed in the ICSL laboratory as part of a predisposition screen in an ostensibly healthy population. It had not been previously curated by ICSL or reported in the Human Gene Mutation Database (HGMD: prior to June 1st, 2018), and was therefore a candidate for classification through an automated scoring system. Utilizing variant allele frequency, disease prevalence and penetrance estimates, and inheritance mode, an automated score was calculated to assess if this variant is too frequent to cause the disease. Based on the score and internal cut-off values, a variant classified as benign is not then subjected to further curation. The score for this variant resulted in a classification of benign for this disease.

Illumina Laboratory Services, Illumina
Classification: Benign for Schwartz-Jampel syndrome type 1. Last evaluated: 2018-01-13. Review status: criteria provided, single submitter. Criteria: ICSL Variant Classification Criteria 13 December 2019. Collection method: clinical testing. Allele origin: germline.
Comment: the same text as in the submission from Illumina Laboratory Services, Illumina above.

Breakthrough Genomics
Classification: Benign. Review status: criteria provided, single submitter. Criteria: ACMG Guidelines, 2015. Collection method: not provided. Allele origin: germline. Inheritance: Autosomal recessive inheritance. Affected: yes.